The following is an entry in ClinVar:

NM_001370466.1(NOD2):c.1378G>A (p.Val460Ile)

Gene: NOD2 (nucleotide binding oligomerization domain containing 2; plus strand). Cytogenetic location: 16q12.1.
Variant type: single nucleotide variant.
Coding change: c.1378G>A on transcript NM_001370466.1 (MANE Select); coding-DNA position 1378, G replaced by A.
Protein change: p.Val460Ile; replaces valine 460 with isoleucine.
Molecular consequence: missense variant. On other transcripts: non-coding transcript variant (1).
Genome position (GRCh38, 1-based): chr16:50,711,370, G>A. VCF-style: chr16-50711370-G-A. GRCh37 (hg19) VCF-style: chr16-50745281-G-A.
Other names: c.1378G>A, p.Val460Ile (NM_001293557.2); c.1459G>A, p.Val487Ile (NM_022162.3); c.1459G>A (NM_022162.1); short protein forms V460I, V487I.
Identifiers: ClinVar variation 1035561 (VCV001035561.16), dbSNP rs908626604, ClinGen allele CA281262812.

ClinVar aggregate classification (germline): Uncertain significance. Review status: criteria provided, multiple submitters, no conflicts (2 of 4 stars). 6 submissions from 6 submitters: Uncertain significance (6). Last evaluated 2025-12-23.

Conditions:
Autoinflammatory syndrome. Identifiers: Orphanet 93665, MedGen C3890737, MONDO:0019751.
Blau syndrome (BLAUS). Also called: GRANULOMATOSIS, FAMILIAL JUVENILE SYSTEMIC; GRANULOMATOSIS, FAMILIAL, BLAU TYPE; GRANULOMATOUS INFLAMMATORY ARTHRITIS, DERMATITIS, AND UVEITIS, FAMILIAL; JABS SYNDROME; ARTHROCUTANEOUVEAL GRANULOMATOSIS. Identifiers: Orphanet 90340, MedGen C5201146, MONDO:0008523, OMIM 186580.
Regional enteritis. Also called: Enteritis, Granulomatous. Identifiers: MedGen C0678202, MeSH D003424.
Inborn genetic diseases. Identifiers: MedGen C0950123, MeSH D030342.

Allele frequency attached by ClinVar (database versions not stated): gnomAD exomes below 0.00001 and 0.00001; TOPMed 0.00002; gnomAD 0.00003.
gnomAD v4.1: 16 of 1,613,638 alleles (0.00099%); highest among the groups gnomAD compares: Non-Finnish European, 0.0013%; no homozygotes.

Submissions (6):

Women's Health and Genetics/Laboratory Corporation of America, LabCorp
Classification: Uncertain significance. Last evaluated: 2025-12-23. Review status: criteria provided, single submitter. Criteria: LabCorp Variant Classification Summary - May 2015. Collection method: clinical testing. Allele origin: germline.
Comment: Variant summary: NOD2 c.1459G>A (p.Val487Ile) results in a conservative amino acid change in the encoded protein sequence. Algorithms developed to predict the effect of missense changes on protein structure and function are either unavailable or do not agree on the potential impact of this missense change. The variant allele was found at a frequency of 4e-06 in 250172 control chromosomes (gnomAD). The available data on variant occurrences in the general population are insufficient to allow any conclusion about variant significance. To our knowledge, no occurrence of c.1459G>A in individuals affected with NOD2-related conditions and no experimental evidence demonstrating its impact on protein function have been reported. ClinVar contains an entry for this variant (Variation ID: 1035561). Based on the evidence outlined above, the variant was classified as uncertain significance.

Labcorp Genetics (formerly Invitae), Labcorp
Classification: Uncertain significance for Regional enteritis; Blau syndrome. Last evaluated: 2025-12-16. Review status: criteria provided, single submitter. Criteria: Invitae Variant Classification Sherloc (09022015). Collection method: clinical testing. Allele origin: germline.
Comment: This sequence change replaces valine, which is neutral and non-polar, with isoleucine, which is neutral and non-polar, at codon 487 of the NOD2 protein (p.Val487Ile). The frequency data for this variant in the population databases is considered unreliable, as metrics indicate poor data quality at this position in the gnomAD database. This variant has not been reported in the literature in individuals affected with NOD2-related conditions. ClinVar contains an entry for this variant (Variation ID: 1035561). Invitae Evidence Modeling of protein sequence and biophysical properties (such as structural, functional, and spatial information, amino acid conservation, physicochemical variation, residue mobility, and thermodynamic stability) has been performed for this missense variant. However, the output from this modeling did not meet the statistical confidence thresholds required to predict the impact of this variant on NOD2 protein function. In summary, the available evidence is currently insufficient to determine the role of this variant in disease. Therefore, it has been classified as a Variant of Uncertain Significance.

Blueprint Genetics
Classification: Uncertain significance. Last evaluated: 2023-04-03. Review status: criteria provided, single submitter. Criteria: ACMG Guidelines, 2015. Collection method: clinical testing. Allele origin: germline.

Ambry Genetics
Classification: Uncertain significance for Inborn genetic diseases. Last evaluated: 2022-11-03. Review status: criteria provided, single submitter. Criteria: Ambry Variant Classification Scheme 2023. Collection method: clinical testing. Allele origin: germline.

Genome Diagnostics Laboratory, The Hospital for Sick Children
Classification: Uncertain significance for Autoinflammatory syndrome. Last evaluated: 2018-02-01. Review status: criteria provided, single submitter. Criteria: ACMG Guidelines, 2015. Collection method: clinical testing. Allele origin: germline. Affected: yes.

Breakthrough Genomics
Classification: Uncertain significance. Review status: criteria provided, single submitter. Criteria: ACMG Guidelines, 2015. Collection method: not provided. Allele origin: germline. Inheritance: Autosomal dominant inheritance. Affected: yes.